The following is an entry in ClinVar:

ClinVar aggregate classification (germline): Uncertain significance (1 of 4 stars; one submission).

Conditions:
Hereditary cancer-predisposing syndrome. Also called: Hereditary Cancer Syndrome; Hereditary neoplastic syndrome; Neoplastic Syndromes, Hereditary; Tumor predisposition. Identifiers: Orphanet 140162, MedGen C0027672, MeSH D009386, MONDO:0015356.

Allele frequency attached by ClinVar (database versions not stated): gnomAD exomes below 0.00001.

Submission:

Ambry Genetics
Classification: Uncertain significance for Hereditary cancer-predisposing syndrome. Last evaluated: 2024-12-21. Review status: criteria provided, single submitter. Criteria: Ambry Variant Classification Scheme 2023. Collection method: clinical testing. Allele origin: germline.
Comment: The p.D194A variant (also known as c.581A>C), located in coding exon 6 of the EPCAM gene, results from an A to C substitution at nucleotide position 581. The aspartic acid at codon 194 is replaced by alanine, an amino acid with dissimilar properties. This amino acid position is conserved. In addition, the in silico prediction for this alteration is inconclusive. Since supporting evidence is limited at this time, the clinical significance of this alteration remains unclear.

NM_002354.3(EPCAM):c.581A>C (p.Asp194Ala)

Gene: EPCAM (epithelial cell adhesion molecule; plus strand). Cytogenetic location: 2p21.
Variant type: single nucleotide variant.
Coding change: c.581A>C on transcript NM_002354.3 (MANE Select); coding-DNA position 581, A replaced by C.
Protein change: p.Asp194Ala; replaces aspartic acid 194 with alanine.
Molecular consequence: missense variant.
Genome position (GRCh38, 1-based): chr2:47,378,978, A>C. VCF-style: chr2-47378978-A-C. GRCh37 (hg19) VCF-style: chr2-47606117-A-C.
Other names: short protein forms D194A.
Identifiers: ClinVar variation 1749876 (VCV001749876.3), dbSNP rs2103757053, ClinGen allele CA346724138.